The following is an entry in ClinVar:

ClinVar aggregate classification (germline): Likely benign. Review status: criteria provided, single submitter (1 of 4 stars). 2 submissions from 2 submitters: Likely benign (1). 1 of the submissions does not count toward it. Last evaluated 2025-12-29.

Conditions:
ABCB11-related disorder. Also called: ABCB11-related condition.

Allele frequency attached by ClinVar (database versions not stated): gnomAD exomes 0.00001; ExAC 0.00002; gnomAD 0.00002.
gnomAD v4.1: 8 of 1,566,578 alleles (0.00051%); highest among the groups gnomAD compares: African/African-American, 0.0014%; no homozygotes.

Submissions (2):

Labcorp Genetics (formerly Invitae), Labcorp
Classification: Likely benign. Last evaluated: 2025-12-29. Review status: criteria provided, single submitter. Criteria: Invitae Variant Classification Sherloc (09022015). Collection method: clinical testing. Allele origin: germline.

PreventionGenetics, part of Exact Sciences
Classification: Likely benign for ABCB11-related condition. Last evaluated: 2022-09-03. Review status: no assertion criteria provided. Collection method: clinical testing. Allele origin: germline. Not counted in ClinVar's aggregate classification.
Comment: This variant is classified as likely benign based on ACMG/AMP sequence variant interpretation guidelines (Richards et al. 2015 PMID: 25741868, with internal and published modifications).

NM_003742.4(ABCB11):c.450C>T (p.Val150=)

Gene: ABCB11 (ATP binding cassette subfamily B member 11; minus strand). Cytogenetic location: 2q31.1.
Variant type: single nucleotide variant.
Coding change: c.450C>T on transcript NM_003742.4 (MANE Select); coding-DNA position 450, C replaced by T.
Protein change: p.Val150=; no amino-acid change (valine 150 retained).
Molecular consequence: synonymous variant.
Genome position (GRCh38, 1-based): chr2:168,996,662, G>A on the plus strand (C>T on the coding strand, the complement: ABCB11 is on the minus strand). VCF-style: chr2-168996662-G-A. GRCh37 (hg19) VCF-style: chr2-169853172-G-A.
Other names: c.450C>T (NM_003742.2).
Identifiers: ClinVar variation 1105340 (VCV001105340.11), dbSNP rs376327318, ClinGen allele CA1951889.